The following is an entry in ClinVar:

NM_000548.5(TSC2):c.2106C>T (p.Asp702=)

Gene: TSC2 (TSC complex subunit 2; plus strand). Cytogenetic location: 16p13.3.
Variant type: single nucleotide variant.
Coding change: c.2106C>T on transcript NM_000548.5 (MANE Select); coding-DNA position 2106, C replaced by T.
Protein change: p.Asp702=; no amino-acid change (aspartic acid 702 retained).
Molecular consequence: synonymous variant.
Genome position (GRCh38, 1-based): chr16:2,072,249, C>T. VCF-style: chr16-2072249-C-T. GRCh37 (hg19) VCF-style: chr16-2122250-C-T.
Other names: c.1995C>T, p.Asp665= (NM_001318827.2); c.1959C>T, p.Asp653= (NM_001318829.2); c.1506C>T, p.Asp502= (NM_001318831.2); c.2139C>T, p.Asp713= (NM_001318832.2); c.2106C>T, p.Asp702= (NM_001363528.2, NM_001370404.1, NM_001370405.1 and 3 more transcripts).
Identifiers: ClinVar variation 748124 (VCV000748124.13), dbSNP rs1396298404, ClinGen allele CA493042650.

ClinVar aggregate classification (germline): Benign/Likely benign. Review status: criteria provided, multiple submitters, no conflicts (2 of 4 stars). 3 submissions from 3 submitters: Benign (1); Likely benign (2). Last evaluated 2025-10-14.

Conditions:
Tuberous sclerosis 2 (TSC2). Identifiers: Orphanet 805, MedGen C1860707, MONDO:0013199, OMIM 613254.
Hereditary cancer-predisposing syndrome. Also called: Tumor predisposition; Hereditary Cancer Syndrome; Neoplastic Syndromes, Hereditary; Hereditary neoplastic syndrome. Identifiers: Orphanet 140162, MedGen C0027672, MeSH D009386, MONDO:0015356.

Allele frequency attached by ClinVar (database versions not stated): gnomAD exomes below 0.00001 and 0.00001.
gnomAD v4.1: 2 of 1,614,096 alleles (0.00012%); highest among the groups gnomAD compares: East Asian, 0.0022%; no homozygotes.

Submissions (3):

Labcorp Genetics (formerly Invitae), Labcorp
Classification: Likely benign for Tuberous sclerosis 2. Last evaluated: 2025-10-14. Review status: criteria provided, single submitter. Criteria: Invitae Variant Classification Sherloc (09022015). Collection method: clinical testing. Allele origin: germline.

Myriad Genetics, Inc.
Classification: Benign for Tuberous sclerosis 2. Last evaluated: 2025-05-19. Review status: criteria provided, single submitter. Criteria: Myriad Autosomal Dominant, Autosomal Recessive and X-Linked Classification Criteria (2023). Collection method: clinical testing. Allele origin: unknown.
Comment: This variant is considered benign. This variant is a silent/synonymous amino acid change and it is not expected to impact splicing.

Ambry Genetics
Classification: Likely benign for Hereditary cancer-predisposing syndrome. Last evaluated: 2023-01-17. Review status: criteria provided, single submitter. Criteria: Ambry Variant Classification Scheme 2023. Collection method: clinical testing. Allele origin: germline.